The following is an entry in ClinVar:

NM_002519.3(NPAT):c.2972C>T (p.Ser991Phe)

Gene: NPAT (nuclear protein, coactivator of histone transcription; minus strand). Cytogenetic location: 11q22.3.
Variant type: single nucleotide variant.
Coding change: c.2972C>T on transcript NM_002519.3 (MANE Select); coding-DNA position 2972, C replaced by T.
Protein change: p.Ser991Phe; replaces serine 991 with phenylalanine.
Molecular consequence: missense variant.
Genome position (GRCh38, 1-based): chr11:108,169,782, G>A on the plus strand (C>T on the coding strand, the complement: NPAT is on the minus strand). VCF-style: chr11-108169782-G-A. GRCh37 (hg19) VCF-style: chr11-108040509-G-A.
Other names: c.2972C>T, p.Ser991Phe (NM_001321307.1); short protein forms S991F.
Identifiers: ClinVar variation 3004134 (VCV003004134.3), dbSNP rs746500175, ClinGen allele CA382511833.
Genomic context (GRCh38, chr11:108,169,782, plus strand): 5'-TTAATGAAATTAAAAATGGTACCTATACAAGGCTTGTTTCTTAGTCCCTGAGCCTTCTGA[G>A]ATTTTGGAGGGACGGGGAATTGAGGGATACTTCTATTGCATACAGGTGCTGTCAAAGGCA-3'
Protein context (NP_002510.2, residues 981-1001): SIPQFPVPPK[Ser991Phe]QKAQGLRNKP

ClinVar aggregate classification (germline): Uncertain significance (1 of 4 stars; one submission).

Submission:

Labcorp Genetics (formerly Invitae), Labcorp
Classification: Uncertain significance. Last evaluated: 2024-02-21. Review status: criteria provided, single submitter. Criteria: Invitae Variant Classification Sherloc (09022015). Collection method: clinical testing. Allele origin: germline.
Comment: This sequence change replaces serine, which is neutral and polar, with phenylalanine, which is neutral and non-polar, at codon 991 of the NPAT protein (p.Ser991Phe). This variant is not present in population databases (gnomAD no frequency). This variant has not been reported in the literature in individuals affected with NPAT-related conditions. An algorithm developed to predict the effect of missense changes on protein structure and function (PolyPhen-2) suggests that this variant is likely to be disruptive. In summary, the available evidence is currently insufficient to determine the role of this variant in disease. Therefore, it has been classified as a Variant of Uncertain Significance.